The following is an entry in ClinVar:

ClinVar aggregate classification (germline): Uncertain significance (1 of 4 stars; one submission).

Conditions:
Hereditary hemorrhagic telangiectasia (HHT). Also called: ORW DISEASE; Osler Weber Rendu syndrome; OSLER-RENDU-WEBER DISEASE; Osler hemorrhagic telangiectasia syndrome. Identifiers: Orphanet 774, MedGen C0039445, MONDO:0019180. Disease mechanism: loss of function.

Submission:

Labcorp Genetics (formerly Invitae), Labcorp
Classification: Uncertain significance for Hereditary hemorrhagic telangiectasia. Last evaluated: 2022-10-03. Review status: criteria provided, single submitter. Criteria: Invitae Variant Classification Sherloc (09022015). Collection method: clinical testing. Allele origin: germline.
Comment: This sequence change replaces leucine, which is neutral and non-polar, with arginine, which is basic and polar, at codon 12 of the ENG protein (p.Leu12Arg). This variant is not present in population databases (gnomAD no frequency). In summary, the available evidence is currently insufficient to determine the role of this variant in disease. Therefore, it has been classified as a Variant of Uncertain Significance. Advanced modeling of protein sequence and biophysical properties (such as structural, functional, and spatial information, amino acid conservation, physicochemical variation, residue mobility, and thermodynamic stability) performed at Invitae indicates that this missense variant is expected to disrupt ENG protein function. This variant has not been reported in the literature in individuals affected with ENG-related conditions.

NM_001114753.3(ENG):c.35T>G (p.Leu12Arg)

Gene: ENG (endoglin; minus strand). Cytogenetic location: 9q34.11.
Variant type: single nucleotide variant.
Coding change: c.35T>G on transcript NM_001114753.3 (MANE Select); coding-DNA position 35, T replaced by G.
Protein change: p.Leu12Arg; replaces leucine 12 with arginine.
Molecular consequence: missense variant.
Genome position (GRCh38, 1-based): chr9:127,854,321, A>C on the plus strand (T>G on the coding strand, the complement: ENG is on the minus strand). VCF-style: chr9-127854321-A-C. GRCh37 (hg19) VCF-style: chr9-130616600-A-C.
Other names: c.35T>G, p.Leu12Arg (NM_000118.4, NM_001406715.1); short protein forms L12R.
Identifiers: ClinVar variation 1720873 (VCV001720873.6), dbSNP rs1829096574, ClinGen allele CA374989604.